The following is an entry in ClinVar:

ClinVar aggregate classification (germline): Likely benign (1 of 4 stars; one submission).

Allele frequency attached by ClinVar (database versions not stated): 1000 Genomes Project 0.00759; 1000 Genomes Project 30x 0.00765; gnomAD 0.01057 and 0.01064; TOPMed 0.01115.
gnomAD v4.1: 1,635 of 152,326 alleles (1.1%); highest among the groups gnomAD compares: Middle Eastern, 4.8%; 15 homozygotes.

Submission:

GeneDx
Classification: Likely benign. Last evaluated: 2018-06-16. Review status: criteria provided, single submitter. Criteria: GeneDx Variant Classification (06012015). Collection method: clinical testing. Allele origin: germline. Affected: yes.
Comment: This variant is considered likely benign or benign based on one or more of the following criteria: it is a conservative change, it occurs at a poorly conserved position in the protein, it is predicted to be benign by multiple in silico algorithms, and/or has population frequency not consistent with disease.

NM_012233.3(RAB3GAP1):c.1236+257G>C

Gene: RAB3GAP1 (RAB3 GTPase activating protein catalytic subunit 1; plus strand). Cytogenetic location: 2q21.3.
Variant type: single nucleotide variant.
Coding change: c.1236+257G>C on transcript NM_012233.3 (MANE Select); 257 bases into the intron after coding-DNA position 1236, G replaced by C.
Molecular consequence: intron variant.
Genome position (GRCh38, 1-based): chr2:135,130,978, G>C. VCF-style: chr2-135130978-G-C. GRCh37 (hg19) VCF-style: chr2-135888548-G-C.
Other names: c.1236+257G>C (NM_001172435.2).
Identifiers: ClinVar variation 673659 (VCV000673659.1), dbSNP rs146921207, ClinGen allele CA11233736.